The following is an entry in ClinVar:

NM_000709.4(BCKDHA):c.35G>C (p.Arg12Pro)

Gene: BCKDHA (branched chain keto acid dehydrogenase E1 subunit alpha; plus strand). Cytogenetic location: 19q13.2.
Variant type: single nucleotide variant.
Coding change: c.35G>C on transcript NM_000709.4 (MANE Select); coding-DNA position 35, G replaced by C.
Protein change: p.Arg12Pro; replaces arginine 12 with proline.
Molecular consequence: missense variant.
Genome position (GRCh38, 1-based): chr19:41,397,862, G>C. VCF-style: chr19-41397862-G-C. GRCh37 (hg19) VCF-style: chr19-41903767-G-C.
Other names: c.35G>C, p.Arg12Pro (NM_001164783.2); c.35G>C (NM_000709.3); short protein forms R12P.
Identifiers: ClinVar variation 1093746 (VCV001093746.10), dbSNP rs769659202, ClinGen allele CA9460967.

ClinVar aggregate classification (germline): Conflicting classifications of pathogenicity. Review status: criteria provided, conflicting classifications (1 of 4 stars). 2 submissions from 2 submitters: Uncertain significance (1); Likely benign (1). Last evaluated 2024-03-06.

Conditions:
Maple syrup urine disease (MSUD). Identifiers: Orphanet 511, MedGen C0024776, MeSH D008375, MONDO:0009563. Disease mechanism: loss of function.
Inborn genetic diseases. Identifiers: MedGen C0950123, MeSH D030342.

gnomAD v4.1: 155 of 1,614,084 alleles (0.0096%); highest among the groups gnomAD compares: East Asian, 0.35%; no homozygotes.

Submissions (2):

Ambry Genetics
Classification: Uncertain significance for Inborn genetic diseases. Last evaluated: 2024-03-06. Review status: criteria provided, single submitter. Criteria: Ambry Variant Classification Scheme 2023. Collection method: clinical testing. Allele origin: germline.
Comment: The p.R12P variant (also known as c.35G>C), located in coding exon 1 of the BCKDHA gene, results from a G to C substitution at nucleotide position 35. The arginine at codon 12 is replaced by proline, an amino acid with dissimilar properties. This amino acid position is conserved. In addition, the in silico prediction for this alteration is inconclusive. Based on the available evidence, the clinical significance of this alteration remains unclear.

Labcorp Genetics (formerly Invitae), Labcorp
Classification: Likely benign for Maple syrup urine disease. Last evaluated: 2024-02-23. Review status: criteria provided, single submitter. Criteria: Invitae Variant Classification Sherloc (09022015). Collection method: clinical testing. Allele origin: germline.